The following is an entry in ClinVar:

ClinVar aggregate classification (germline): Uncertain significance (1 of 4 stars; one submission).

Submission:

Dasa
Classification: Uncertain significance. Last evaluated: 2025-06-13. Review status: criteria provided, single submitter. Criteria: DASA Assertion Criteria. Collection method: clinical testing. Allele origin: germline.
Comment: NM_182931.3(KMT2E):c.5552_5555dup (p.Tyr1852*) is a nonsense variant in KMT2E predicted to introduce a premature termination codon and is predicted to result in an absent or altered protein product. This variant is absent from population databases. The currently available literature and clinical evidence are not sufficient to establish a definitive association between this variant and the reported condition. Therefore, this variant is classified as a variant of uncertain significance.

NM_182931.3(KMT2E):c.5552_5555dup (p.Tyr1852Ter)

Gene: KMT2E (lysine methyltransferase 2E (inactive); plus strand). Cytogenetic location: 7q22.3.
Variant type: Duplication.
Coding change: c.5552_5555dup on transcript NM_182931.3 (MANE Select); coding-DNA positions 5552 to 5555, 4 bases duplicated (ATTA; older notation c.5552_5555dupATTA).
Protein change: p.Tyr1852Ter; replaces tyrosine 1852 with a stop codon.
Molecular consequence: nonsense.
Genome position (GRCh38, 1-based): chr7:105,113,308-105,113,311, ATTA duplicated; duplicating any 4 consecutive bases within chr7:105,113,307-105,113,311 gives the same sequence; the c. name uses the placement nearest the transcript's 3' end. VCF-style (leftmost placement, unchanged base first): chr7-105113306-C-CAATT. GRCh37 (hg19) VCF-style: chr7-104753753-C-CAATT.
Other names: c.5426_5429dup, p.Tyr1810Ter (NM_001410908.1); c.5552_5555dup, p.Tyr1852Ter (NM_018682.4); short protein forms Y1810*, Y1852*.
Identifiers: ClinVar variation 4886337 (VCV004886337.2).
Genomic context (GRCh38, chr7:105,113,306, plus strand): 5'-ATCTCCAGTGCCTGGACAGATTCCAATTCACAGAGCACAGGTGCCACCAACATTTCAAAA[C>CAATT]AATTACCATGGGTCAGGGTGGCATTAAAATGGACTCCAAAAACATTTTTTTAAATGTTCT-3'